The following is an entry in ClinVar:

ClinVar aggregate classification (germline): Uncertain significance (1 of 4 stars; one submission).

Conditions:
Mitochondrial myopathy-cerebellar ataxia-pigmentary retinopathy syndrome. Also called: MYOPATHY, MITOCHONDRIAL, AND ATAXIA. Identifiers: Orphanet 502423, MedGen C4540096, MONDO:0044714, OMIM 617675.

gnomAD v4.1: 7 of 1,605,768 alleles (0.00044%); highest among the groups gnomAD compares: African/African-American, 0.0069%; no homozygotes.

Submission:

Laboratorio de Genetica e Diagnostico Molecular, Hospital Israelita Albert Einstein
Classification: Uncertain significance for Mitochondrial myopathy-cerebellar ataxia-pigmentary retinopathy syndrome. Last evaluated: 2023-08-02. Review status: criteria provided, single submitter. Criteria: ACMG Guidelines, 2015. Collection method: clinical testing. Allele origin: germline. Affected: yes.
Comment: ACMG classification criteria: PM2 moderate, PP3 supporting

NM_018116.4(MSTO1):c.1284-39A>C

Gene: MSTO1 (misato mitochondrial distribution and morphology regulator 1; plus strand). Cytogenetic location: 1q22.
Variant type: single nucleotide variant.
Coding change: c.1284-39A>C on transcript NM_018116.4 (MANE Select); 39 bases into the intron before coding-DNA position 1284, A replaced by C.
Molecular consequence: intron variant. On other transcripts: splice acceptor variant (3).
Genome position (GRCh38, 1-based): chr1:155,613,423, A>C. VCF-style: chr1-155613423-A-C. GRCh37 (hg19) VCF-style: chr1-155583214-A-C.
Other names: c.753-39A>C (NM_001350779.1, NM_001350778.1, NM_001350777.1); c.741-39A>C (NM_001350784.1, NM_001350785.1, NM_001350789.1 and 1 more transcripts); c.750-39A>C (NM_001350781.1, NM_001350788.1, NM_001350782.1 and 2 more transcripts); c.750-2A>C (NM_001350786.1); c.1119-39A>C (NM_001350776.1); c.1284-2A>C (NM_001350773.1, NM_001350774.1); c.1284-39A>C (NM_001350775.1, NM_001256532.1, NM_001350772.1 and 1 more transcripts).
Identifiers: ClinVar variation 4056628 (VCV004056628.1).